The following is an entry in ClinVar:

NM_016239.4(MYO15A):c.7594_7595insGGGA (p.Leu2532fs)

Gene: MYO15A (myosin XVA; plus strand). Cytogenetic location: 17p11.2.
Variant type: Insertion.
Coding change: c.7594_7595insGGGA on transcript NM_016239.4 (MANE Select); coding-DNA positions 7594 to 7595, GGGA inserted.
Protein change: p.Leu2532fs; shifts the reading frame from leucine 2532.
Molecular consequence: frameshift variant.
Genome position: GRCh38 VCF-style: chr17-18151230-C-CGGGA. GRCh37 (hg19) VCF-style: chr17-18054544-C-CGGGA.
Other names: short protein forms L2532fs.
Identifiers: ClinVar variation 2991165 (VCV002991165.3), dbSNP rs2545286231, ClinGen allele CA2636442252.

ClinVar aggregate classification (germline): Pathogenic (1 of 4 stars; one submission).

Allele frequency attached by ClinVar (database versions not stated): gnomAD exomes 0.00001.

Submission:

Labcorp Genetics (formerly Invitae), Labcorp
Classification: Pathogenic. Last evaluated: 2024-02-04. Review status: criteria provided, single submitter. Criteria: Invitae Variant Classification Sherloc (09022015). Collection method: clinical testing. Allele origin: germline.
Comment: This sequence change creates a premature translational stop signal (p.Leu2532Argfs*37) in the MYO15A gene. It is expected to result in an absent or disrupted protein product. Loss-of-function variants in MYO15A are known to be pathogenic (PMID: 17546645). This variant is not present in population databases (gnomAD no frequency). This premature translational stop signal has been observed in individual(s) with deafness (PMID: 34733312). For these reasons, this variant has been classified as Pathogenic.

Literature cited by the submitters: PubMed 17546645; PubMed 34733312.